The following is an entry in ClinVar:

NM_000138.5(FBN1):c.4190G>T (p.Gly1397Val)

Gene: FBN1 (fibrillin 1; minus strand). Cytogenetic location: 15q21.1.
Variant type: single nucleotide variant.
Coding change: c.4190G>T on transcript NM_000138.5 (MANE Select); coding-DNA position 4190, G replaced by T.
Protein change: p.Gly1397Val; replaces glycine 1397 with valine.
Molecular consequence: missense variant.
Genome position (GRCh38, 1-based): chr15:48,474,275, C>A on the plus strand (G>T on the coding strand, the complement: FBN1 is on the minus strand). VCF-style: chr15-48474275-C-A. GRCh37 (hg19) VCF-style: chr15-48766472-C-A.
Other names: short protein forms G1397V.
Identifiers: ClinVar variation 927657 (VCV000927657.24), dbSNP rs747867726, ClinGen allele CA052152.

ClinVar aggregate classification (germline): Conflicting classifications of pathogenicity. Review status: criteria provided, conflicting classifications (1 of 4 stars). 6 submissions from 6 submitters: Uncertain significance (5); Likely benign (1). Last evaluated 2026-05-06.

Conditions:
Familial thoracic aortic aneurysm and aortic dissection (TAAD). Also called: Thoracic aortic aneurysms and dissections. Identifiers: Orphanet 91387, MedGen C4707243, MONDO:0019625.
Weill-Marchesani syndrome 2, dominant. Also called: FBN1-Related Weill-Marchesani Syndrome; Weill-Marchesani Syndrome, Autosomal Dominant. Identifiers: Orphanet 2084, MedGen C1869115, MONDO:0012013, OMIM 608328.
Progeroid and marfanoid aspect-lipodystrophy syndrome. Also called: MARFANOID-PROGEROID SYNDROME; MARFAN-PROGEROID-LIPODYSTROPHY SYNDROME; Marfan lipodystrophy syndrome; MARFANOID-PROGEROID-LIPODYSTROPHY SYNDROME. Identifiers: Orphanet 300382, MedGen C4310796, MONDO:0014831, OMIM 616914.
Acromicric dysplasia (ACMICD). Also called: Acromicric skeletal dysplasia. Identifiers: Orphanet 969, MedGen C0265287, MONDO:0007055, OMIM 102370.
Ectopia lentis 1, isolated, autosomal dominant (ECTOL1). Identifiers: Orphanet 1885, MedGen C3541518, MONDO:0007514, OMIM 129600.
Geleophysic dysplasia 2 (GPHYSD2). Identifiers: Orphanet 2623, MedGen C3280054, MONDO:0013612, OMIM 614185.
Marfan syndrome (MFS). Also called: Marfan syndrome, classic; Marfan syndrome type 1; Marfan's syndrome; FBN1-Related Marfan Syndrome; MARFAN SYNDROME, TYPE I. Identifiers: Orphanet 284963, Orphanet 558, MedGen C0024796, MONDO:0007947, OMIM 154700.
MASS syndrome (OCTD). Also called: OVERLAP CONNECTIVE TISSUE DISEASE; MASS PHENOTYPE. Identifiers: MedGen C1858556, MONDO:0011431, OMIM 604308.
Stiff skin syndrome (SSKS). Identifiers: Orphanet 2833, MedGen C1861456, MONDO:0008492, OMIM 184900.

Allele frequency attached by ClinVar (database versions not stated): TOPMed 0.00002.
gnomAD v4.1: 23 of 1,614,020 alleles (0.0014%); highest among the groups gnomAD compares: African/African-American, 0.004%; no homozygotes.

Submissions (6):

GeneDx
Classification: Uncertain significance. Last evaluated: 2026-05-06. Review status: criteria provided, single submitter. Criteria: GeneDx Variant Classification Process June 2021. Collection method: clinical testing. Allele origin: germline.
Comment: Identified in individuals with clinical features of Marfan syndrome or a connective tissue disorder in published literature (PMID: 25652356, 39252027); Does not affect a cysteine or calcium-binding residue within an EGF-like domain or a TGF-binding protein domain of the FBN1 gene; cysteine substitutions in the EGF-like domains represent the majority of pathogenic missense changes associated with FBN1-related disorders (PMID: 12938084); In silico analysis supports that this missense variant has a deleterious effect on protein structure/function; Not observed at significant frequency in large population cohorts (gnomAD); This variant is associated with the following publications: (PMID: 12938084, 25652356, 39252027)

Color Diagnostics, LLC DBA Color Health
Classification: Uncertain significance for Familial thoracic aortic aneurysm and aortic dissection. Last evaluated: 2025-12-18. Review status: criteria provided, single submitter. Criteria: ACMG Guidelines, 2015. Collection method: clinical testing. Allele origin: germline.
Comment: This missense variant replaces glycine with valine at codon 1397 of the FBN1 protein. Computational prediction suggests that this variant may have deleterious impact on protein structure and function. To our knowledge, functional studies have not been reported for this variant. This variant has been reported in an individual suspected of having Marfan syndrome (PMID: 25652356). This variant has been identified in 23/1614020 chromosomes in the general population by the Genome Aggregation Database (gnomAD). The available evidence is insufficient to determine the role of this variant in disease conclusively. Therefore, this variant is classified as a Variant of Uncertain Significance.

Labcorp Genetics (formerly Invitae), Labcorp
Classification: Likely benign for Marfan syndrome; Familial thoracic aortic aneurysm and aortic dissection. Last evaluated: 2025-03-09. Review status: criteria provided, single submitter. Criteria: Invitae Variant Classification Sherloc (09022015). Collection method: clinical testing. Allele origin: germline.

All of Us Research Program, National Institutes of Health
Classification: Uncertain significance for Marfan syndrome. Last evaluated: 2024-09-23. Review status: criteria provided, single submitter. Criteria: ACMG Guidelines, 2015. Collection method: clinical testing. Allele origin: germline. Inheritance: Autosomal dominant inheritance. Observed: 6 variant alleles, 6 heterozygotes.
Comment: This missense variant replaces glycine with valine at codon 1397 of the FBN1 protein. Computational prediction suggests that this variant may have deleterious impact on protein structure and function (internally defined REVEL score threshold >= 0.7, PMID: 27666373). Splice site prediction tools suggest that this variant may not impact RNA splicing. To our knowledge, functional studies have not been reported for this variant. This variant has not been reported in individuals affected with cardiovascular disorders in the literature. This variant has been identified in 3/251380 chromosomes in the general population by the Genome Aggregation Database (gnomAD). The available evidence is insufficient to determine the role of this variant in disease conclusively. Therefore, this variant is classified as a Variant of Uncertain Significance.

This study involves interpretation of variants in research participants for the purpose of population health screening. Participant phenotype was not available at the time of variant classification. Additional details can be found in publication PMID: 35346344, PMCID: PMC8962531

Women's Health and Genetics/Laboratory Corporation of America, LabCorp
Classification: Uncertain significance. Last evaluated: 2023-01-23. Review status: criteria provided, single submitter. Criteria: LabCorp Variant Classification Summary - May 2015. Collection method: clinical testing. Allele origin: germline.
Comment: Variant summary: FBN1 c.4190G>T (p.Gly1397Val) results in a non-conservative amino acid change located in the EGF-like domain (IPR000742) of the encoded protein sequence. Five of five in-silico tools predict a damaging effect of the variant on protein function. The variant allele was found at a frequency of 1.2e-05 in 251380 control chromosomes. The available data on variant occurrences in the general population are insufficient to allow any conclusion about variant significance. c.4190G>T has been reported in the literature in a cohort of suspected or confirmed MFS patients, without strong evidence for causality (Baudhuin_2015). To our knowledge, no experimental evidence demonstrating its impact on protein function have been reported. Three clinical diagnostic laboratories have submitted clinical-significance assessments for this variant to ClinVar after 2014 without evidence for independent evaluation and classified as uncertain significance. Based on the evidence outlined above, the variant was classified as uncertain significance.

Fulgent Genetics
Classification: Uncertain significance for Acromicric dysplasia; Ectopia lentis 1, isolated, autosomal dominant; Marfan syndrome; Stiff skin syndrome; MASS syndrome; Weill-Marchesani syndrome 2, dominant; Geleophysic dysplasia 2; Progeroid and marfanoid aspect-lipodystrophy syndrome. Last evaluated: 2021-09-28. Review status: criteria provided, single submitter. Criteria: ACMG Guidelines, 2015. Collection method: clinical testing. Allele origin: unknown.

Literature cited by the submitters: PubMed 25652356 (cited by Color Diagnostics, LLC DBA Color Health and Women's Health and Genetics/Laboratory Corporation of America, LabCorp).